The following is an entry in ClinVar:

ClinVar aggregate classification (germline): Pathogenic. Review status: criteria provided, multiple submitters, no conflicts (2 of 4 stars). 5 submissions from 5 submitters: Pathogenic (4). 1 of the submissions does not count toward it. Last evaluated 2023-09-20.

Conditions:
Hereditary nonpolyposis colorectal neoplasms. Identifiers: MedGen C0009405, MeSH D003123.
Hereditary cancer-predisposing syndrome. Also called: Hereditary neoplastic syndrome; Hereditary Cancer Syndrome; Tumor predisposition; Neoplastic Syndromes, Hereditary. Identifiers: Orphanet 140162, MedGen C0027672, MeSH D009386, MONDO:0015356.
Lynch syndrome 4 (LYNCH4). Also called: Hereditary non-polyposis colorectal cancer, type 4; Colorectal cancer, hereditary nonpolyposis, type 4. Identifiers: Orphanet 144, MedGen C1838333, MONDO:0013699, OMIM 614337. Disease mechanism: loss of function.
Carcinoma of colon (CRC). Also called: Colon carcinoma; Colonic carcinoma. Identifiers: MedGen C0699790, MONDO:0002032.

Submissions (5):

Myriad Genetics, Inc.
Classification: Pathogenic for Lynch syndrome 4. Last evaluated: 2023-09-20. Review status: criteria provided, single submitter. Criteria: Myriad Autosomal Dominant, Autosomal Recessive and X-Linked Classification Criteria (2023). Collection method: clinical testing. Allele origin: unknown.
Comment: This variant is considered pathogenic. This variant creates a frameshift predicted to result in premature protein truncation.

Color Diagnostics, LLC DBA Color Health
Classification: Pathogenic for Hereditary cancer-predisposing syndrome. Last evaluated: 2022-11-16. Review status: criteria provided, single submitter. Criteria: ACMG Guidelines, 2015. Collection method: clinical testing. Allele origin: germline.
Comment: This variant deletes 1 nucleotide in exon 11 of the PMS2 gene, creating a frameshift and premature translation stop signal. This variant is expected to result in an absent or non-functional protein product. To our knowledge, this variant has not been reported in individuals affected with PMS2-related disorders in the literature. This variant has not been identified in the general population by the Genome Aggregation Database (gnomAD). Loss of PMS2 function is a known mechanism of disease. Based on the available evidence, this variant is classified as Pathogenic.

Labcorp Genetics (formerly Invitae), Labcorp
Classification: Pathogenic for Hereditary nonpolyposis colorectal neoplasms. Last evaluated: 2022-11-15. Review status: criteria provided, single submitter. Criteria: Invitae Variant Classification Sherloc (09022015). Collection method: clinical testing. Allele origin: germline.
Comment: For these reasons, this variant has been classified as Pathogenic. ClinVar contains an entry for this variant (Variation ID: 480320). This variant has not been reported in the literature in individuals affected with PMS2-related conditions. This variant is not present in population databases (gnomAD no frequency). This sequence change creates a premature translational stop signal (p.Lys394Serfs*4) in the PMS2 gene. It is expected to result in an absent or disrupted protein product. Loss-of-function variants in PMS2 are known to be pathogenic (PMID: 21376568, 24362816).

Ambry Genetics
Classification: Pathogenic for Hereditary cancer-predisposing syndrome. Last evaluated: 2021-05-26. Review status: criteria provided, single submitter. Criteria: Ambry Variant Classification Scheme 2023. Collection method: clinical testing. Allele origin: germline.
Comment: The c.1181delA pathogenic mutation, located in coding exon 11 of the PMS2 gene, results from a deletion of one nucleotide at nucleotide position 1181, causing a translational frameshift with a predicted alternate stop codon (p.K394Sfs*4). This alteration is expected to result in loss of function by premature protein truncation or nonsense-mediated mRNA decay. As such, this alteration is interpreted as a disease-causing mutation.

Department of Pathology and Laboratory Medicine, Sinai Health System
Classification: Pathogenic for Carcinoma of colon. Review status: no assertion criteria provided. Collection method: clinical testing. Allele origin: unknown. Affected: yes. Study: The Canadian Open Genetics Repository (COGR). Not counted in ClinVar's aggregate classification.
Comment: The PMS2 p.Lys394Serfs*4 variant was not identified in the literature nor was it identified in dbSNP, GeneInsight-COGR, Cosmic, Zhejiang University Database, Mismatch Repair Genes Variant Database, or Insight Hereditary Tumors Database. The variant was identified in ClinVar (classified as pathogenic by Ambry Genetics). The variant was not identified in the following control databases: the 1000 Genomes Project, the NHLBI GO Exome Sequencing Project, the Exome Aggregation Consortium (August 8th 2016), or the Genome Aggregation Database (Feb 27, 2017). The c.1181del variant is predicted to cause a frameshift, which alters the protein's amino acid sequence beginning at codon 394 and leads to a premature stop codon at position 397. This alteration is then predicted to result in a truncated or absent protein and loss of function. Loss of function variants of the PMS2 gene are an established mechanism of disease in PMS2-associated cancers and is the type of variant expected to cause the disorder. The variant occurs outside of the splicing consensus sequence and in silico or computational prediction software programs (SpliceSiteFinder, MaxEntScan, NNSPLICE, GeneSplicer) do not predict a difference in splicing. In summary, based on the above information this variant meets our laboratoryâ€šÃ„Ã´s criteria to be classified as pathogenic.

Literature cited by the submitters: PubMed 21376568 (cited by Labcorp Genetics (formerly Invitae), Labcorp); PubMed 24362816 (cited by Labcorp Genetics (formerly Invitae), Labcorp).

NM_000535.7(PMS2):c.1181del (p.Lys394fs)

Gene: PMS2 (PMS1 homolog 2, mismatch repair system component; minus strand). Cytogenetic location: 7p22.1.
Variant type: Deletion.
Coding change: c.1181del on transcript NM_000535.7 (MANE Select); coding-DNA position 1181, one base deleted (A; older notation c.1181delA).
Protein change: p.Lys394fs; shifts the reading frame from lysine 394.
Molecular consequence: frameshift variant. On other transcripts: non-coding transcript variant (1).
Genome position (GRCh38, 1-based): chr7:5,987,584, T deleted on the plus strand (A on the coding strand, the reverse complement: PMS2 is on the minus strand); the first of 4 consecutive T bases (chr7:5,987,584-5,987,587); deleting any one gives the same sequence. VCF-style (leftmost placement, unchanged base first): chr7-5987583-CT-C. GRCh37 (hg19) VCF-style: chr7-6027214-CT-C.
Other names: c.776del, p.Lys259fs (NM_001322003.2, NM_001322004.2, NM_001322005.2 and 1 more transcripts); c.1025del, p.Lys342fs (NM_001322006.2); c.863del, p.Lys288fs (NM_001322007.2, NM_001322008.2); c.620del, p.Lys207fs (NM_001322010.2); c.248del, p.Lys83fs (NM_001322011.2, NM_001322012.2); c.608del, p.Lys203fs (NM_001322013.2); c.1181del, p.Lys394fs (NM_001322014.2); c.872del, p.Lys291fs (NM_001322015.2); short protein forms K259fs, K288fs, K342fs, K394fs, K207fs, K291fs, K83fs, K203fs.
Identifiers: ClinVar variation 480320 (VCV000480320.15), dbSNP rs1554298067, ClinGen allele CA658655983.
Genomic context (GRCh38, chr7:5,987,583, plus strand): 5'-GTCTTTTTTTTCTTCTCCAGTCCTTAATGAAGGGGATTGATCCTGCTTTTCTACCATGGG[CT>C]TTTCCAAATCCGCTGCATGCATTTTTATTAAGTTACCTAAGCAAACGTGGACGGAGAAGA-3'